The following is an entry in ClinVar:

ClinVar aggregate classification (germline): Uncertain significance (1 of 4 stars; one submission).

gnomAD v4.1: 5 of 1,613,222 alleles (0.00031%); highest among the groups gnomAD compares: African/African-American, 0.0067%; no homozygotes.

Submission:

GeneDx
Classification: Uncertain significance. Last evaluated: 2025-01-28. Review status: criteria provided, single submitter. Criteria: GeneDx Variant Classification Process June 2021. Collection method: clinical testing. Allele origin: germline. Affected: yes.
Comment: Not observed at significant frequency in large population cohorts (gnomAD); Missense variant in a gene in which most reported pathogenic variants are truncating/loss of function; Has not been previously published as pathogenic or benign to our knowledge

NM_001267550.2(TTN):c.22895T>C (p.Ile7632Thr)

Gene: TTN (titin; minus strand). Cytogenetic location: 2q31.2.
Variant type: single nucleotide variant.
Coding change: c.22895T>C on transcript NM_001267550.2 (MANE Select); coding-DNA position 22895, T replaced by C.
Protein change: p.Ile7632Thr; replaces isoleucine 7632 with threonine.
Molecular consequence: missense variant. On other transcripts: intron variant (3).
Genome position (GRCh38, 1-based): chr2:178,721,124, A>G on the plus strand (T>C on the coding strand, the complement: TTN is on the minus strand). VCF-style: chr2-178721124-A-G. GRCh37 (hg19) VCF-style: chr2-179585851-A-G.
Other names: c.21944T>C, p.Ile7315Thr (NM_001256850.1); c.19163T>C, p.Ile6388Thr (NM_133378.4); c.13282+16958T>C (NM_003319.4); c.13858+16958T>C (NM_133437.4); c.13657+16958T>C (NM_133432.3); short protein forms I6388T, I7315T, I7632T.
Identifiers: ClinVar variation 4071906 (VCV004071906.1).